The following is an entry in ClinVar:

NM_000256.3(MYBPC3):c.3701G>T (p.Gly1234Val)

Gene: MYBPC3 (myosin binding protein C3; minus strand). Cytogenetic location: 11p11.2.
Variant type: single nucleotide variant.
Coding change: c.3701G>T on transcript NM_000256.3 (MANE Select); coding-DNA position 3701, G replaced by T.
Protein change: p.Gly1234Val; replaces glycine 1234 with valine.
Molecular consequence: missense variant.
Genome position (GRCh38, 1-based): chr11:47,332,185, C>A on the plus strand (G>T on the coding strand, the complement: MYBPC3 is on the minus strand). VCF-style: chr11-47332185-C-A. GRCh37 (hg19) VCF-style: chr11-47353736-C-A.
Other names: short protein forms G1234V.
Identifiers: ClinVar variation 1445183 (VCV001445183.8), dbSNP rs2095877793, ClinGen allele CA380311286.
Genomic context (GRCh38, chr11:47,332,185, plus strand): 5'-CTGCAGACATAGATGCCCCCGTCAAAGGGGCAGGGCTTTCTAATCTCCAGAGTCAACACT[C>A]CCTGCTTGCTGAACATGCGGAAGCGGGCGTCTTCTCCCAGGTCCAGGCCATTCTTGAACC-3'
Protein context (NP_000247.2, residues 1224-1244): DARFRMFSKQ[Gly1234Val]VLTLEIRKPC

ClinVar aggregate classification (germline): Uncertain significance. Review status: criteria provided, multiple submitters, no conflicts (2 of 4 stars). 2 submissions from 2 submitters: Uncertain significance (2). Last evaluated 2024-11-27.

Conditions:
Cardiovascular phenotype. Identifiers: MedGen CN230736.
Hypertrophic cardiomyopathy. Also called: HYPERTROPHIC MYOCARDIOPATHY. Identifiers: Orphanet 217569, MedGen C0007194, MeSH D002312, MONDO:0005045, HP:0001639.

Submissions (2):

Labcorp Genetics (formerly Invitae), Labcorp
Classification: Uncertain significance for Hypertrophic cardiomyopathy. Last evaluated: 2024-11-27. Review status: criteria provided, single submitter. Criteria: Invitae Variant Classification Sherloc (09022015). Collection method: clinical testing. Allele origin: germline.
Comment: This sequence change replaces glycine, which is neutral and non-polar, with valine, which is neutral and non-polar, at codon 1234 of the MYBPC3 protein (p.Gly1234Val). This variant is not present in population databases (gnomAD no frequency). This variant has not been reported in the literature in individuals affected with MYBPC3-related conditions. ClinVar contains an entry for this variant (Variation ID: 1445183). An algorithm developed to predict the effect of missense changes on protein structure and function (PolyPhen-2) suggests that this variant is likely to be disruptive. Algorithms developed to predict the effect of sequence changes on RNA splicing suggest that this variant may create or strengthen a splice site. In summary, the available evidence is currently insufficient to determine the role of this variant in disease. Therefore, it has been classified as a Variant of Uncertain Significance.

Ambry Genetics
Classification: Uncertain significance for Cardiovascular phenotype. Last evaluated: 2018-04-25. Review status: criteria provided, single submitter. Criteria: Ambry Variant Classification Scheme 2023. Collection method: clinical testing. Allele origin: germline.
Comment: The p.G1234V variant (also known as c.3701G>T), located in coding exon 33 of the MYBPC3 gene, results from a G to T substitution at nucleotide position 3701. The glycine at codon 1234 is replaced by valine, an amino acid with dissimilar properties. Another alteration affecting the same amino acid, p.G1234R (c.3700G>A), has been reported in association with hypertrophic cardiomyopathy (HCM) (Burns C et al. Circ Cardiovasc Genet, 2017 Aug;10:). This amino acid position is highly conserved in available vertebrate species. In addition, this alteration is predicted to be deleterious by in silico analysis. Since supporting evidence is limited at this time, the clinical significance of this alteration remains unclear.